The following is an entry in ClinVar:

NM_025215.6(PUS1):c.916A>T (p.Lys306Ter)

Gene: PUS1 (pseudouridine synthase 1; plus strand). Cytogenetic location: 12q24.33.
Variant type: single nucleotide variant.
Coding change: c.916A>T on transcript NM_025215.6 (MANE Select); coding-DNA position 916, A replaced by T.
Protein change: p.Lys306Ter; replaces lysine 306 with a stop codon.
Molecular consequence: nonsense.
Genome position (GRCh38, 1-based): chr12:131,941,663, A>T. VCF-style: chr12-131941663-A-T. GRCh37 (hg19) VCF-style: chr12-132426208-A-T.
Other names: c.832A>T, p.Lys278Ter (NM_001002019.3, NM_001002020.3); short protein forms K278*, K306*.
Identifiers: ClinVar variation 2125434 (VCV002125434.5), dbSNP rs1309276486, ClinGen allele CA387299454.

ClinVar aggregate classification (germline): Pathogenic/Likely pathogenic. Review status: criteria provided, multiple submitters, no conflicts (2 of 4 stars). 2 submissions from 2 submitters: Pathogenic (1); Likely pathogenic (1). Last evaluated 2022-12-21.

Conditions:
Myopathy, lactic acidosis, and sideroblastic anemia 1 (MLASA1). Identifiers: Orphanet 2598, MedGen C4551958, MONDO:0024553, OMIM 600462.

Allele frequency attached by ClinVar (database versions not stated): TOPMed below 0.00001; gnomAD 0.00001.

Submissions (2):

Baylor Genetics
Classification: Likely pathogenic for Myopathy, lactic acidosis, and sideroblastic anemia 1. Last evaluated: 2022-12-21. Review status: criteria provided, single submitter. Criteria: ACMG Guidelines, 2015. Collection method: clinical testing. Allele origin: unknown.

Labcorp Genetics (formerly Invitae), Labcorp
Classification: Pathogenic. Last evaluated: 2022-10-18. Review status: criteria provided, single submitter. Criteria: Invitae Variant Classification Sherloc (09022015). Collection method: clinical testing. Allele origin: germline.
Comment: For these reasons, this variant has been classified as Pathogenic. This sequence change creates a premature translational stop signal (p.Lys306*) in the PUS1 gene. It is expected to result in an absent or disrupted protein product. Loss-of-function variants in PUS1 are known to be pathogenic (PMID: 17056637, 19731322, 25058219, 26556812). This variant is present in population databases (no rsID available, gnomAD 0.01%). This variant has not been reported in the literature in individuals affected with PUS1-related conditions.

Literature cited by the submitters: PubMed 17056637 (cited by Labcorp Genetics (formerly Invitae), Labcorp); PubMed 19731322 (cited by Labcorp Genetics (formerly Invitae), Labcorp); PubMed 25058219 (cited by Labcorp Genetics (formerly Invitae), Labcorp); PubMed 26556812 (cited by Labcorp Genetics (formerly Invitae), Labcorp).